The following is an entry in ClinVar:

ClinVar aggregate classification (germline): Pathogenic/Likely pathogenic. Review status: criteria provided, multiple submitters, no conflicts (2 of 4 stars). 2 submissions from 2 submitters: Pathogenic (1); Likely pathogenic (1). Last evaluated 2024-06-07.

Conditions:
Mucopolysaccharidosis, MPS-II (MPS2). Also called: Mucopolysaccharidosis type 2; Hunter Syndrome; IDURONATE 2-SULFATASE DEFICIENCY; Mucopolysaccharidosis Type II; IDS deficiency; Sulfoiduronate sulfatase deficiency. Identifiers: Orphanet 580, Orphanet 79388, MedGen C0026705, MONDO:0010674, OMIM 309900.

Submissions (2):

Laboratory of Diagnosis and Therapy of Lysosomal Disorders, University of Padova
Classification: Likely pathogenic for Mucopolysaccharidosis, MPS-II. Last evaluated: 2024-06-07. Review status: criteria provided, single submitter. Criteria: ACMG Guidelines, 2015. Collection method: literature only. Allele origin: germline. Affected: yes. Observed: 1 variant allele.
Comment: Null variant (PVS1_Strong), Absent from controls (or at low frequency) in gnomAD database (PM2_Moderate), Patient’s phenotype or family history highly specific for the disease (PP4_Moderate)

Classification method: ACMG Guidelines [PMID:25741868] with modifications

Department of Medical Genetics, Sanjay Gandhi Post Graduate Institute of Medical Sciences
Classification: Pathogenic for Mucopolysaccharidosis, MPS-II. Review status: criteria provided, single submitter. Criteria: ACMG Guidelines, 2015. Collection method: clinical testing. Allele origin: germline. Inheritance: X-linked recessive inheritance. Affected: yes. Observed: 1 variant allele, 1 hemizygote.

Literature cited by the submitters: PubMed 35144014 (cited by Laboratory of Diagnosis and Therapy of Lysosomal Disorders, University of Padova).

NM_000202.8(IDS):c.1316del (p.Leu439fs)

Gene: IDS (iduronate 2-sulfatase; minus strand). Cytogenetic location: Xq28.
Variant type: Deletion.
Coding change: c.1316del on transcript NM_000202.8 (MANE Select); coding-DNA position 1316, one base deleted (T; older notation c.1316delT).
Protein change: p.Leu439fs; shifts the reading frame from leucine 439.
Molecular consequence: frameshift variant.
Genome position (GRCh38, 1-based): chrX:149,483,083, A deleted on the plus strand (T on the coding strand, the reverse complement: IDS is on the minus strand). VCF-style (leftmost placement, unchanged base first): chrX-149483082-CA-C. GRCh37 (hg19) VCF-style: chrX-148564613-CA-C.
Other names: c.1046del, p.Leu349fs (NM_001166550.4); short protein forms L349fs, L439fs.
Identifiers: ClinVar variation 997042 (VCV000997042.3), dbSNP rs2123994709, ClinGen allele CA2499226411.
Genomic context (GRCh38, chrX:149,483,082, plus strand): 5'-TTCACGGGGATTACCAGGGAGGTACGGATCCTCTTCCAAGTCACGGAATCGAAAATGCTT[CA>C]GAAGGTTCTTGCCTTCTCTGCACAGCTCAACGTGAAATGAAGGAACGGGGCAGCGAGGTG-3'